The following is an entry in ClinVar:

NM_172107.4(KCNQ2):c.288C>T (p.His96=)

Gene: KCNQ2 (potassium voltage-gated channel subfamily Q member 2; minus strand). Cytogenetic location: 20q13.33.
Variant type: single nucleotide variant.
Coding change: c.288C>T on transcript NM_172107.4 (MANE Select); coding-DNA position 288, C replaced by T.
Protein change: p.His96=; no amino-acid change (histidine 96 retained).
Molecular consequence: synonymous variant.
Genome position (GRCh38, 1-based): chr20:63,472,176, G>A on the plus strand (C>T on the coding strand, the complement: KCNQ2 is on the minus strand). VCF-style: chr20-63472176-G-A. GRCh37 (hg19) VCF-style: chr20-62103529-G-A.
Other names: c.288C>T, p.His96= (NM_004518.6, NM_172106.3, NM_172108.5 and 1 more transcripts).
Identifiers: ClinVar variation 386650 (VCV000386650.10), dbSNP rs370799364, ClinGen allele CA16608515.

ClinVar aggregate classification (germline): Likely benign. Review status: criteria provided, multiple submitters, no conflicts (2 of 4 stars). 2 submissions from 2 submitters: Likely benign (2). Last evaluated 2025-07-09.

Conditions:
Early-infantile DEE. Also called: Ohtahara syndrome; Early infantile epileptic encephalopathy; Early infantile epileptic encephalopathy with suppression bursts. Identifiers: Orphanet 1934, MedGen C0393706, MONDO:0800491.

Allele frequency attached by ClinVar (database versions not stated): TOPMed 0.00001; gnomAD exomes 0.00004; ESP Exome Variant Server 0.00008.
gnomAD v4.1: 58 of 1,528,676 alleles (0.0038%); highest among the groups gnomAD compares: Non-Finnish European, 0.0051%; no homozygotes.

Submissions (2):

Labcorp Genetics (formerly Invitae), Labcorp
Classification: Likely benign for Early-infantile DEE. Last evaluated: 2025-07-09. Review status: criteria provided, single submitter. Criteria: Invitae Variant Classification Sherloc (09022015). Collection method: clinical testing. Allele origin: germline.

GeneDx
Classification: Likely benign. Last evaluated: 2016-06-01. Review status: criteria provided, single submitter. Criteria: GeneDx Variant Classification (06012015). Collection method: clinical testing. Allele origin: germline. Affected: yes.
Comment: This variant is considered likely benign or benign based on one or more of the following criteria: it is a conservative change, it occurs at a poorly conserved position in the protein, it is predicted to be benign by multiple in silico algorithms, and/or has population frequency not consistent with disease.